The following is an entry in ClinVar:

ClinVar aggregate classification (germline): Likely pathogenic (1 of 4 stars; one submission).

Submission:

Labcorp Genetics (formerly Invitae), Labcorp
Classification: Likely pathogenic. Last evaluated: 2022-04-15. Review status: criteria provided, single submitter. Criteria: Invitae Variant Classification Sherloc (09022015). Collection method: clinical testing. Allele origin: germline.
Comment: In summary, the currently available evidence indicates that the variant is pathogenic, but additional data are needed to prove that conclusively. Therefore, this variant has been classified as Likely Pathogenic. This variant has not been reported in the literature in individuals affected with DENND5A-related conditions. This variant results in a copy number gain of the genomic region encompassing exon(s) 2-3 of the DENND5A gene. While the exact position of this variant cannot be determined from the data, sub-genic copy number gains are generally in tandem (PMID: 25640679). This variant is predicted to be out-of-frame, and may result in an absent or disrupted protein product. Loss-of-function variants in DENND5A are known to be pathogenic (PMID: 27431290, 27866705).

Literature cited by the submitters: PubMed 25640679; PubMed 27431290; PubMed 27866705.

NC_000011.9:g.(?_9228200)_(9229199_?)dup

Gene: DENND5A (DENN domain containing 5A; minus strand). Cytogenetic location: 11p15.4.
Variant type: Duplication.
Identifiers: ClinVar variation 2426102 (VCV002426102.4).